The following is an entry in ClinVar:

NM_001353921.2(ARHGEF9):c.238G>A (p.Glu80Lys)

Gene: ARHGEF9 (Cdc42 guanine nucleotide exchange factor 9; minus strand). Cytogenetic location: Xq11.1.
Variant type: single nucleotide variant.
Coding change: c.238G>A on transcript NM_001353921.2 (MANE Select); coding-DNA position 238, G replaced by A.
Protein change: p.Glu80Lys; replaces glutamic acid 80 with lysine.
Molecular consequence: missense variant. On other transcripts: 5 prime UTR variant (3).
Genome position (GRCh38, 1-based): chrX:63,706,422, C>T on the plus strand (G>A on the coding strand, the complement: ARHGEF9 is on the minus strand). VCF-style: chrX-63706422-C-T. GRCh37 (hg19) VCF-style: chrX-62926302-C-T.
Other names: c.58G>A, p.Glu20Lys (NM_001173479.2); c.-90G>A (NM_001173480.2, NM_001369042.1); c.154G>A, p.Glu52Lys (NM_001330495.2, NM_001353927.2, NM_001369033.1 and 8 more transcripts); c.238G>A, p.Glu80Lys (NM_001353922.2); c.256G>A, p.Glu86Lys (NM_001353923.1); c.37G>A, p.Glu13Lys (NM_001353924.2, NM_001353926.2, NM_001369039.1 and 1 more transcripts); c.217G>A, p.Glu73Lys (NM_001353928.2, NM_001369030.1, NM_001369031.1 and 2 more transcripts); c.-466G>A (NM_001369045.1); short protein forms E13K, E20K, E52K, E73K, E80K, E86K.
Identifiers: ClinVar variation 3338983 (VCV003338983.2).

ClinVar aggregate classification (germline): Uncertain significance (1 of 4 stars; one submission).

Submission:

Women's Health and Genetics/Laboratory Corporation of America, LabCorp
Classification: Uncertain significance. Last evaluated: 2025-07-14. Review status: criteria provided, single submitter. Criteria: LabCorp Variant Classification Summary - May 2015. Collection method: clinical testing. Allele origin: germline.
Comment: Variant summary: ARHGEF9 c.217G>A (p.Glu73Lys) results in a conservative amino acid change in the encoded protein sequence. Algorithms developed to predict the effect of missense changes on protein structure and function are either unavailable or do not agree on the potential impact of this missense change. The frequency data for this variant in gnomAD is considered unreliable, as metrics indicate poor data quality at this position. To our knowledge, no occurrence of c.217G>A in individuals affected with Early Infantile Epileptic Encephalopathy 8 and no experimental evidence demonstrating its impact on protein function have been reported. ClinVar contains an entry for this variant (Variation ID: 3338983). Based on the evidence outlined above, the variant was classified as uncertain significance.